The following is an entry in ClinVar:

NM_004239.4(TRIP11):c.3773A>T (p.Asp1258Val)

Gene: TRIP11 (thyroid hormone receptor interactor 11; minus strand). Cytogenetic location: 14q32.12.
Variant type: single nucleotide variant.
Coding change: c.3773A>T on transcript NM_004239.4 (MANE Select); coding-DNA position 3773, A replaced by T.
Protein change: p.Asp1258Val; replaces aspartic acid 1258 with valine.
Molecular consequence: missense variant.
Genome position (GRCh38, 1-based): chr14:92,004,203, T>A on the plus strand (A>T on the coding strand, the complement: TRIP11 is on the minus strand). VCF-style: chr14-92004203-T-A. GRCh37 (hg19) VCF-style: chr14-92470547-T-A.
Other names: c.3770A>T, p.Asp1257Val (NM_001321851.1); short protein forms D1257V, D1258V.
Identifiers: ClinVar variation 2039581 (VCV002039581.4), dbSNP rs2543026988, ClinGen allele CA390651459.

ClinVar aggregate classification (germline): Uncertain significance (1 of 4 stars; one submission).

Conditions:
Achondrogenesis, type IA (ACG1A). Identifiers: Orphanet 932, Orphanet 93299, MedGen C0265273, MONDO:0008701, OMIM 200600.

Submission:

Labcorp Genetics (formerly Invitae), Labcorp
Classification: Uncertain significance for Achondrogenesis, type IA. Last evaluated: 2023-08-04. Review status: criteria provided, single submitter. Criteria: Invitae Variant Classification Sherloc (09022015). Collection method: clinical testing. Allele origin: germline.
Comment: ClinVar contains an entry for this variant (Variation ID: 2039581). Advanced modeling of protein sequence and biophysical properties (such as structural, functional, and spatial information, amino acid conservation, physicochemical variation, residue mobility, and thermodynamic stability) performed at Invitae indicates that this missense variant is not expected to disrupt TRIP11 protein function. In summary, the available evidence is currently insufficient to determine the role of this variant in disease. Therefore, it has been classified as a Variant of Uncertain Significance. This variant has not been reported in the literature in individuals affected with TRIP11-related conditions. This sequence change replaces aspartic acid, which is acidic and polar, with valine, which is neutral and non-polar, at codon 1258 of the TRIP11 protein (p.Asp1258Val). This variant is not present in population databases (gnomAD no frequency).